The following is an entry in ClinVar:

NM_001558.4(IL10RA):c.337G>A (p.Val113Ile)

Gene: IL10RA (interleukin 10 receptor subunit alpha; plus strand). Cytogenetic location: 11q23.3.
Variant type: single nucleotide variant.
Coding change: c.337G>A on transcript NM_001558.4 (MANE Select); coding-DNA position 337, G replaced by A.
Protein change: p.Val113Ile; replaces valine 113 with isoleucine.
Molecular consequence: missense variant. On other transcripts: non-coding transcript variant (1).
Genome position (GRCh38, 1-based): chr11:117,989,590, G>A. VCF-style: chr11-117989590-G-A. GRCh37 (hg19) VCF-style: chr11-117860305-G-A.
Other names: short protein forms V113I.
Identifiers: ClinVar variation 302544 (VCV000302544.44), dbSNP rs4252303, ClinGen allele CA6298902.

ClinVar aggregate classification (germline): Benign/Likely benign. Review status: criteria provided, multiple submitters, no conflicts (2 of 4 stars). 9 submissions from 9 submitters: Benign (5); Likely benign (3). 1 of the submissions does not count toward it. Last evaluated 2026-08-01.

Conditions:
Inflammatory bowel disease 28. Also called: Inflammatory bowel disease 28, early onset, autosomal recessive. Identifiers: Orphanet 238569, MedGen C2751053, MONDO:0013153, OMIM 613148.
IL10RA-related disorder. Also called: IL10RA-related condition.

Allele frequency attached by ClinVar (database versions not stated): 1000 Genomes Project 0.00180; 1000 Genomes Project 30x 0.00250; gnomAD 0.00628 and 0.00655; TOPMed 0.00660; gnomAD exomes 0.00680 and 0.00963; ExAC 0.00703; ESP Exome Variant Server 0.00839.
gnomAD v4.1: 14,939 of 1,614,108 alleles (0.93%); highest among the groups gnomAD compares: Non-Finnish European, 1.1%; 98 homozygotes.

Submissions (9):

CeGaT Center for Human Genetics Tuebingen
Classification: Benign. Last evaluated: 2026-08-01. Review status: criteria provided, single submitter. Criteria: CeGaT Center For Human Genetics Tuebingen Variant Classification Criteria Version 2. Collection method: clinical testing. Allele origin: germline. Affected: yes. Observed: 7 variant alleles.
Comment: IL10RA: BP4, BS1, BS2

Labcorp Genetics (formerly Invitae), Labcorp
Classification: Benign for Inflammatory bowel disease 28. Last evaluated: 2026-02-01. Review status: criteria provided, single submitter. Criteria: Invitae Variant Classification Sherloc (09022015). Collection method: clinical testing. Allele origin: germline.

Mayo Clinic Laboratories, Mayo Clinic
Classification: Benign. Last evaluated: 2024-04-08. Review status: criteria provided, single submitter. Criteria: ACMG Guidelines, 2015. Collection method: clinical testing. Allele origin: germline. Observed: 27 variant alleles.
Comment: BS1, BS2, BP4

Fulgent Genetics
Classification: Likely benign for Inflammatory bowel disease 28. Last evaluated: 2021-11-10. Review status: criteria provided, single submitter. Criteria: ACMG Guidelines, 2015. Collection method: clinical testing. Allele origin: unknown.

Illumina Laboratory Services, Illumina
Classification: Benign for Inflammatory bowel disease 28. Last evaluated: 2018-01-12. Review status: criteria provided, single submitter. Criteria: ICSL Variant Classification Criteria 13 December 2019. Collection method: clinical testing. Allele origin: germline.
Comment: This variant was observed in the ICSL laboratory as part of a predisposition screen in an ostensibly healthy population. It had not been previously curated by ICSL or reported in the Human Gene Mutation Database (HGMD: prior to June 1st, 2018), and was therefore a candidate for classification through an automated scoring system. Utilizing variant allele frequency, disease prevalence and penetrance estimates, and inheritance mode, an automated score was calculated to assess if this variant is too frequent to cause the disease. Based on the score and internal cut-off values, a variant classified as benign is not then subjected to further curation. The score for this variant resulted in a classification of benign for this disease.

Clinical Genetics DNA and cytogenetics Diagnostics Lab, Erasmus MC, Erasmus Medical Center
Classification: Likely benign for Inflammatory bowel disease 28. Last evaluated: 2016-06-17. Review status: criteria provided, single submitter. Criteria: ACGS Guidelines, 2013. Collection method: clinical testing. Allele origin: germline. Affected: yes. Study: VKGL Data-share Consensus.

Genome Diagnostics Laboratory, University Medical Center Utrecht
Classification: Benign for Inflammatory bowel disease 28. Last evaluated: 2014-10-09. Review status: criteria provided, single submitter. Criteria: ACGS Guidelines, 2013. Collection method: clinical testing. Allele origin: germline. Affected: yes. Study: VKGL Data-share Consensus.

Breakthrough Genomics
Classification: Likely benign. Review status: criteria provided, single submitter. Criteria: ACMG Guidelines, 2015. Collection method: not provided. Allele origin: germline. Inheritance: Autosomal recessive inheritance. Affected: yes.

PreventionGenetics, part of Exact Sciences
Classification: Benign for IL10RA-related condition. Last evaluated: 2019-05-09. Review status: no assertion criteria provided. Collection method: clinical testing. Allele origin: germline. Not counted in ClinVar's aggregate classification.
Comment: This variant is classified as benign based on ACMG/AMP sequence variant interpretation guidelines (Richards et al. 2015 PMID: 25741868, with internal and published modifications).

Literature cited by the submitters: PubMed 20673868 (cited by Mayo Clinic Laboratories, Mayo Clinic); PubMed 31325311 (cited by Mayo Clinic Laboratories, Mayo Clinic); PubMed 36370291 (cited by Mayo Clinic Laboratories, Mayo Clinic).